The following is an entry in ClinVar:

ClinVar aggregate classification (germline): Uncertain significance. Review status: criteria provided, multiple submitters, no conflicts (2 of 4 stars). 5 submissions from 5 submitters: Uncertain significance (5). Last evaluated 2025-02-10.

Conditions:
Cardiovascular phenotype. Identifiers: MedGen CN230736.
Hypertrophic cardiomyopathy 26. Also called: Cardiomyopathy, familial hypertrophic, 26. Identifiers: Orphanet 75249, MedGen C4310749, MONDO:0014883, OMIM 617047.
Distal myopathy with posterior leg and anterior hand involvement. Also called: WILLIAMS DISTAL MYOPATHY. Identifiers: Orphanet 63273, MedGen C3279722, MONDO:0013550, OMIM 614065.
Myofibrillar myopathy 5. Also called: Filaminopathy (type); FILAMINOPATHY, AUTOSOMAL DOMINANT. Identifiers: Orphanet 171445, MedGen C1836050, MONDO:0012289, OMIM 609524.
FLNC-related disorder. Also called: FLNC-related disorders; FLNC-related condition.

Allele frequency attached by ClinVar (database versions not stated): gnomAD 0.00001; TOPMed 0.00001; ExAC 0.00003; gnomAD exomes 0.00003.
gnomAD v4.1: 25 of 1,613,524 alleles (0.0015%); highest among the groups gnomAD compares: East Asian, 0.0022%; no homozygotes.

Submissions (5):

Ambry Genetics
Classification: Uncertain significance for Cardiovascular phenotype. Last evaluated: 2025-02-10. Review status: criteria provided, single submitter. Criteria: Ambry Variant Classification Scheme 2023. Collection method: clinical testing. Allele origin: germline.
Comment: The p.A1378V variant (also known as c.4133C>T), located in coding exon 24 of the FLNC gene, results from a C to T substitution at nucleotide position 4133. The alanine at codon 1378 is replaced by valine, an amino acid with similar properties. This amino acid position is highly conserved in available vertebrate species. In addition, this alteration is predicted to be deleterious by in silico analysis. Since supporting evidence is limited at this time, the clinical significance of this alteration remains unclear.

Labcorp Genetics (formerly Invitae), Labcorp
Classification: Uncertain significance for Distal myopathy with posterior leg and anterior hand involvement; Myofibrillar myopathy 5; Hypertrophic cardiomyopathy 26. Last evaluated: 2025-01-27. Review status: criteria provided, single submitter. Criteria: Invitae Variant Classification Sherloc (09022015). Collection method: clinical testing. Allele origin: germline.
Comment: This sequence change replaces alanine, which is neutral and non-polar, with valine, which is neutral and non-polar, at codon 1378 of the FLNC protein (p.Ala1378Val). This variant is present in population databases (rs748008658, gnomAD 0.005%). This variant has not been reported in the literature in individuals affected with FLNC-related conditions. ClinVar contains an entry for this variant (Variation ID: 287999). Invitae Evidence Modeling of protein sequence and biophysical properties (such as structural, functional, and spatial information, amino acid conservation, physicochemical variation, residue mobility, and thermodynamic stability) has been performed for this missense variant. However, the output from this modeling did not meet the statistical confidence thresholds required to predict the impact of this variant on FLNC protein function. In summary, the available evidence is currently insufficient to determine the role of this variant in disease. Therefore, it has been classified as a Variant of Uncertain Significance.

Blueprint Genetics
Classification: Uncertain significance. Last evaluated: 2024-01-19. Review status: criteria provided, single submitter. Criteria: ACMG Guidelines, 2015. Collection method: clinical testing. Allele origin: germline.

PreventionGenetics, part of Exact Sciences
Classification: Uncertain significance for FLNC-related condition. Last evaluated: 2022-12-29. Review status: criteria provided, single submitter. Criteria: ACMG Guidelines, 2015. Collection method: clinical testing. Allele origin: germline.
Comment: The FLNC c.4133C>T variant is predicted to result in the amino acid substitution p.Ala1378Val. To our knowledge, this variant has not been reported in the literature. This variant is reported in 0.0047% of alleles in individuals of European (Finnish) descent in gnomAD. At this time, the clinical significance of this variant is uncertain due to the absence of conclusive functional and genetic evidence.

Eurofins Ntd Llc (ga)
Classification: Uncertain significance. Last evaluated: 2016-06-02. Review status: criteria provided, single submitter. Criteria: EGL Classification Definitions 2015. Collection method: clinical testing. Allele origin: germline. Observed: 3 variant alleles, 3 heterozygotes.

NM_001458.5(FLNC):c.4133C>T (p.Ala1378Val)

Gene: FLNC (filamin C; plus strand). Cytogenetic location: 7q32.1.
Variant type: single nucleotide variant.
Coding change: c.4133C>T on transcript NM_001458.5 (MANE Select); coding-DNA position 4133, C replaced by T.
Protein change: p.Ala1378Val; replaces alanine 1378 with valine.
Molecular consequence: missense variant.
Genome position (GRCh38, 1-based): chr7:128,846,750, C>T. VCF-style: chr7-128846750-C-T. GRCh37 (hg19) VCF-style: chr7-128486804-C-T.
Other names: c.4133C>T, p.Ala1378Val (NM_001127487.2); short protein forms A1378V.
Identifiers: ClinVar variation 287999 (VCV000287999.18), dbSNP rs748008658, ClinGen allele CA4475256.